The following is an entry in ClinVar:

NM_013336.4(SEC61A1):c.553A>G (p.Thr185Ala)

Gene: SEC61A1 (SEC61 translocon subunit alpha 1; plus strand). Cytogenetic location: 3q21.3.
Variant type: single nucleotide variant.
Coding change: c.553A>G on transcript NM_013336.4 (MANE Select); coding-DNA position 553, A replaced by G.
Protein change: p.Thr185Ala; replaces threonine 185 with alanine.
Molecular consequence: missense variant.
Genome position (GRCh38, 1-based): chr3:128,060,598, A>G. VCF-style: chr3-128060598-A-G. GRCh37 (hg19) VCF-style: chr3-127779441-A-G.
Other names: NC_000003.11:g.127779441A>G; short protein forms T185A.
Identifiers: ClinVar variation 253146 (VCV000253146.7), dbSNP rs879255648, ClinGen allele CA10586219.

ClinVar aggregate classification (germline): Pathogenic. Review status: criteria provided, single submitter (1 of 4 stars). 2 submissions from 2 submitters: Pathogenic (1). 1 of the submissions does not count toward it. Last evaluated 2024-11-06.

Conditions:
Hyperuricemic nephropathy, familial juvenile type 4 (ADTKD5). Identifiers: MedGen C4310741, MONDO:0014891, OMIM 617056.

Submissions (3):

MVZ Medizinische Genetik Mainz
Classification: Pathogenic for Hyperuricemic nephropathy, familial juvenile type 4. Last evaluated: 2024-11-06. Review status: criteria provided, single submitter. Criteria: UK Practice Guidelines For Variant Classification V4 01 2020. Collection method: clinical testing. Allele origin: germline. Inheritance: Autosomal dominant inheritance. Affected: yes. Observed: 1 variant allele.
Comment: ACMG Criteria: PS4,PP1_STR,PM6,PS3_SUP,PP2,PP3

OMIM
Classification: Pathogenic for TUBULOINTERSTITIAL KIDNEY DISEASE, AUTOSOMAL DOMINANT 5. Last evaluated: 2025-02-26. Review status: no assertion criteria provided. Collection method: literature only. Allele origin: germline. Not counted in ClinVar's aggregate classification.

Dr. Peter K. Rogan Lab, Western University
No classification provided (evidence only). Condition: Familial prostate cancer. Review status: no classification provided. Collection method: in vitro. Allele origin: not applicable. Functional consequence: retained intron. Not counted in ClinVar's aggregate classification.

Literature cited by the submitters: PubMed 27392076 (cited by OMIM); PubMed 33185949 (cited by OMIM).